The following is an entry in ClinVar:

ClinVar aggregate classification (germline): not provided (0 of 4 stars; one submission).

Conditions:
Familial cold autoinflammatory syndrome 1 (FCAS1). Also called: CRYOPYRIN-ASSOCIATED PERIODIC SYNDROME 1; Familial cold inflammatory syndrome 1. Identifiers: Orphanet 47045, MedGen C4551895, MONDO:0007349, OMIM 120100.

Submission:

Unité médicale des maladies autoinflammatoires, CHRU Montpellier
No classification provided. Condition: Familial cold urticaria. Review status: no classification provided. Collection method: not provided. Allele origin: unknown.
Comment: also involved in OMIM 191900 and 607115

NM_001243133.2(NLRP3):c.443G>A (p.Cys148Tyr)

Gene: NLRP3 (NLR family pyrin domain containing 3; plus strand). Cytogenetic location: 1q44.
Variant type: single nucleotide variant.
Coding change: c.443G>A on transcript NM_001243133.2 (MANE Select); coding-DNA position 443, G replaced by A.
Protein change: p.Cys148Tyr; replaces cysteine 148 with tyrosine.
Molecular consequence: missense variant.
Genome position (GRCh38, 1-based): chr1:247,423,892, G>A. VCF-style: chr1-247423892-G-A. GRCh37 (hg19) VCF-style: chr1-247587194-G-A.
Other names: c.443G>A, p.Cys148Tyr (NM_001079821.3, NM_001127461.3, NM_001127462.3 and 1 more transcripts); c.449G>A, p.Cys150Tyr (NM_004895.5); short protein forms C150Y, C148Y.
Identifiers: ClinVar variation 97962 (VCV000097962.1), dbSNP rs180177487, ClinGen allele CA281323.